The following is an entry in ClinVar:

ClinVar aggregate classification (germline): Conflicting classifications of pathogenicity. Review status: criteria provided, conflicting classifications (1 of 4 stars). 2 submissions from 2 submitters: Uncertain significance (1); Likely benign (1). Last evaluated 2024-02-28.

Conditions:
Inborn genetic diseases. Identifiers: MedGen C0950123, MeSH D030342.

Allele frequency attached by ClinVar (database versions not stated): gnomAD exomes 0.00002 and 0.00004; ExAC 0.00003; TOPMed 0.00004.
gnomAD v4.1: 32 of 1,609,402 alleles (0.002%); highest among the groups gnomAD compares: Middle Eastern, 0.017%; no homozygotes.

Submissions (2):

Ambry Genetics
Classification: Likely benign for Inborn genetic diseases. Last evaluated: 2024-02-28. Review status: criteria provided, single submitter. Criteria: Ambry Variant Classification Scheme 2023. Collection method: clinical testing. Allele origin: germline.

Labcorp Genetics (formerly Invitae), Labcorp
Classification: Uncertain significance. Last evaluated: 2022-09-27. Review status: criteria provided, single submitter. Criteria: Invitae Variant Classification Sherloc (09022015). Collection method: clinical testing. Allele origin: germline.
Comment: This sequence change replaces arginine, which is basic and polar, with glutamine, which is neutral and polar, at codon 1670 of the MYO18B protein (p.Arg1670Gln). This variant is present in population databases (rs764279608, gnomAD 0.02%). This variant has not been reported in the literature in individuals affected with MYO18B-related conditions. ClinVar contains an entry for this variant (Variation ID: 1448135). Algorithms developed to predict the effect of missense changes on protein structure and function output the following: SIFT: "Not Available"; PolyPhen-2: "Benign"; Align-GVGD: "Not Available". The glutamine amino acid residue is found in multiple mammalian species, which suggests that this missense change does not adversely affect protein function. In summary, the available evidence is currently insufficient to determine the role of this variant in disease. Therefore, it has been classified as a Variant of Uncertain Significance.

NM_032608.7(MYO18B):c.5009G>A (p.Arg1670Gln)

Gene: MYO18B (myosin XVIIIB; plus strand). Cytogenetic location: 22q12.1.
Variant type: single nucleotide variant.
Coding change: c.5009G>A on transcript NM_032608.7 (MANE Select); coding-DNA position 5009, G replaced by A.
Protein change: p.Arg1670Gln; replaces arginine 1670 with glutamine.
Molecular consequence: missense variant.
Genome position (GRCh38, 1-based): chr22:25,903,692, G>A. VCF-style: chr22-25903692-G-A. GRCh37 (hg19) VCF-style: chr22-26299659-G-A.
Other names: c.5012G>A, p.Arg1671Gln (NM_001318245.2); c.5009G>A (NM_032608.5); short protein forms R1670Q, R1671Q.
Identifiers: ClinVar variation 1448135 (VCV001448135.4), dbSNP rs764279608, ClinGen allele CA10161043.
Genomic context (GRCh38, chr22:25,903,692, plus strand): 5'-AAAAGGAGCAGGAAGCCTCACAGCTGAAGCAGCAGGTGGAGATGCTACAGGACCATAAAC[G>A]GGAGCTGCTGGGGTCACCCTCTCTGGGGGAAAATTGCGTTGCTGGCTTGAAGGAGAGGCT-3'
Protein context (NP_115997.5, residues 1660-1680): QQVEMLQDHK[Arg1670Gln]ELLGSPSLGE